The following is an entry in ClinVar:

NM_212482.4(FN1):c.6179A>G (p.Tyr2060Cys)

Gene: FN1 (fibronectin 1; minus strand). Cytogenetic location: 2q35.
Variant type: single nucleotide variant.
Coding change: c.6179A>G on transcript NM_212482.4 (MANE Select); coding-DNA position 6179, A replaced by G.
Protein change: p.Tyr2060Cys; replaces tyrosine 2060 with cysteine.
Molecular consequence: missense variant.
Genome position (GRCh38, 1-based): chr2:215,373,390, T>C on the plus strand (A>G on the coding strand, the complement: FN1 is on the minus strand). VCF-style: chr2-215373390-T-C. GRCh37 (hg19) VCF-style: chr2-216238113-T-C.
Other names: c.6179A>G, p.Tyr2060Cys (NM_001306129.2); c.5909A>G, p.Tyr1970Cys (NM_001306130.2, NM_001365517.2, NM_001365519.2 and 2 more transcripts); c.5636A>G, p.Tyr1879Cys (NM_001306131.2, NM_001306132.2, NM_001365523.2 and 2 more transcripts); c.5906A>G, p.Tyr1969Cys (NM_001365518.2, NM_001365520.2, NM_001365524.2 and 2 more transcripts); short protein forms Y1879C, Y1969C, Y1970C, Y2060C.
Identifiers: ClinVar variation 3617491 (VCV003617491.2).

ClinVar aggregate classification (germline): Uncertain significance (1 of 4 stars; one submission).

Submission:

Labcorp Genetics (formerly Invitae), Labcorp
Classification: Uncertain significance. Last evaluated: 2025-07-31. Review status: criteria provided, single submitter. Criteria: Invitae Variant Classification Sherloc (09022015). Collection method: clinical testing. Allele origin: germline.
Comment: This sequence change replaces tyrosine, which is neutral and polar, with cysteine, which is neutral and slightly polar, at codon 2060 of the FN1 protein (p.Tyr2060Cys). This variant is not present in population databases (gnomAD no frequency). This variant has not been reported in the literature in individuals affected with FN1-related conditions. ClinVar contains an entry for this variant (Variation ID: 3617491). An algorithm developed to predict the effect of missense changes on protein structure and function (PolyPhen-2) suggests that this variant is likely to be disruptive. In summary, the available evidence is currently insufficient to determine the role of this variant in disease. Therefore, it has been classified as a Variant of Uncertain Significance.